The following is an entry in ClinVar:

NM_005720.4(ARPC1B):c.1075G>A (p.Val359Met)

Gene: ARPC1B (actin related protein 2/3 complex subunit 1B; plus strand). Cytogenetic location: 7q22.1.
Variant type: single nucleotide variant.
Coding change: c.1075G>A on transcript NM_005720.4 (MANE Select); coding-DNA position 1075, G replaced by A.
Protein change: p.Val359Met; replaces valine 359 with methionine.
Molecular consequence: missense variant.
Genome position (GRCh38, 1-based): chr7:99,394,114, G>A. VCF-style: chr7-99394114-G-A. GRCh37 (hg19) VCF-style: chr7-98991737-G-A.
Other names: short protein forms V359M.
Identifiers: ClinVar variation 1511261 (VCV001511261.3), dbSNP rs765193066, ClinGen allele CA4364210.

ClinVar aggregate classification (germline): Uncertain significance (1 of 4 stars; one submission).

Allele frequency attached by ClinVar (database versions not stated): TOPMed below 0.00001; ExAC 0.00001; gnomAD 0.00001; gnomAD exomes 0.00001 and 0.00002.
gnomAD v4.1: 25 of 1,613,312 alleles (0.0015%); highest among the groups gnomAD compares: East Asian, 0.033%; no homozygotes.

Submission:

Labcorp Genetics (formerly Invitae), Labcorp
Classification: Uncertain significance. Last evaluated: 2022-02-10. Review status: criteria provided, single submitter. Criteria: Invitae Variant Classification Sherloc (09022015). Collection method: clinical testing. Allele origin: germline.
Comment: This sequence change replaces valine, which is neutral and non-polar, with methionine, which is neutral and non-polar, at codon 359 of the ARPC1B protein (p.Val359Met). This variant is present in population databases (rs765193066, gnomAD 0.03%). This variant has not been reported in the literature in individuals affected with ARPC1B-related conditions. Algorithms developed to predict the effect of missense changes on protein structure and function are either unavailable or do not agree on the potential impact of this missense change (SIFT: "Deleterious"; PolyPhen-2: "Benign"; Align-GVGD: "Class C0"). In summary, the available evidence is currently insufficient to determine the role of this variant in disease. Therefore, it has been classified as a Variant of Uncertain Significance.